The following is an entry in ClinVar:

NM_020964.3(EPG5):c.3919C>T (p.Leu1307Phe)

Gene: EPG5 (ectopic P-granules 5 autophagy tethering factor; minus strand). Cytogenetic location: 18q21.1.
Variant type: single nucleotide variant.
Coding change: c.3919C>T on transcript NM_020964.3 (MANE Select); coding-DNA position 3919, C replaced by T.
Protein change: p.Leu1307Phe; replaces leucine 1307 with phenylalanine.
Molecular consequence: missense variant.
Genome position (GRCh38, 1-based): chr18:45,912,354, G>A on the plus strand (C>T on the coding strand, the complement: EPG5 is on the minus strand). VCF-style: chr18-45912354-G-A. GRCh37 (hg19) VCF-style: chr18-43492319-G-A.
Other names: short protein forms L1307F.
Identifiers: ClinVar variation 1700770 (VCV001700770.4), dbSNP rs765327583, ClinGen allele CA8949029.
Genomic context (GRCh38, chr18:45,912,354, plus strand): 5'-ACTGTGGTCCCGGACGGTGAAGATACAGAAGGAAGAACTTCTGCCAAATGAGTGGCAGGA[G>A]GGGGTGATCAGAAGGTGTGACCAGAGCCTGGTGGGCCCAGCGATAAATCAGCAGCCTCTG-3'
Protein context (NP_066015.2, residues 1297-1317): QALVTPSDHP[Leu1307Phe]LPLIWQKFFL

ClinVar aggregate classification (germline): Likely pathogenic (1 of 4 stars; one submission).

Allele frequency attached by ClinVar (database versions not stated): TOPMed below 0.00001; ExAC 0.00001.
gnomAD v4.1: 7 of 1,611,338 alleles (0.00043%); highest among the groups gnomAD compares: Admixed American, 0.012%; no homozygotes.

Submission:

GeneDx
Classification: Likely pathogenic. Last evaluated: 2025-09-16. Review status: criteria provided, single submitter. Criteria: GeneDx Variant Classification Process June 2021. Collection method: clinical testing. Allele origin: germline. Affected: yes.
Comment: Has not been previously published as pathogenic or benign to our knowledge; In silico analysis supports that this missense variant has a deleterious effect on protein structure/function; Not observed at significant frequency in large population cohorts (gnomAD)